The following is an entry in ClinVar:

Single allele

Gene: SELENON (selenoprotein N; plus strand). Cytogenetic location: 1p36.11.
Variant type: Deletion.
Identifiers: ClinVar variation 4056466 (VCV004056466.1).

ClinVar aggregate classification (germline): Pathogenic (1 of 4 stars; one submission).

Conditions:
Eichsfeld type congenital muscular dystrophy (CMYO3). Also called: Rigid spine muscular dystrophy 1; SELENON-related myopathy; Congenital myopathy 3 with rigid spine; MYOPATHY, SEPN1-RELATED. Identifiers: MedGen C0410180, MONDO:0100100, OMIM 602771.

Submission:

Broad Center for Mendelian Genomics, Broad Institute of MIT and Harvard
Classification: Pathogenic. Last evaluated: 2025-06-06. Review status: criteria provided, single submitter. Criteria: ACMG/ClinGen CNV Guidelines, 2019. Collection method: curation. Allele origin: unknown. Inheritance: Autosomal recessive inheritance.
Comment: The exon 1 deletion of SELENON (SEPN1) was identified in at least 7 individuals with myopathy (PMID: 28688748, 16365872, 28558865, 32796131, 5122708), and has been identified in 0.01% (5/33710) of African/African American chromosomes by the Genome Aggregation Database (gnomAD; dbSNP rs2524954033). The variant was found to segregate with disease in 3 affected family members (PMID: 5122708). Although this variant has been seen in the general population in a heterozygous state, its frequency is low enough to be consistent with a recessive carrier frequency. This variant has also been reported in ClinVar (VCV002113172.4) and has been interpreted as pathogenic by Labcorp Genetics. Of these 7 affected individuals,1 was a homozygote, which increases the likelihood that the exon 1 deletion is pathogenic (PMID: 5122708). This intragenic variant is predicted to cause a frameshift, which alters the protein’s amino acid sequence and leads to a premature termination codon. This alteration is then predicted to lead to a truncated or absent protein. Loss of function of SEPN1 is an established disease mechanism in autosomal recessive myopathy. In summary, this variant meets criteria to be classified as pathogenic for autosomal recessive myopathy. The ACMG/ClinGen evidence codes and points used in this curation are as follows: 1A: 0 points, 2E: 0.9 points, 3A: 0 points, 4E: 0.15 points; Total: 1.05 points; Riggs 2020 (PMID: 31690835).

Literature cited by the submitters: PubMed 28688748; PubMed 16365872; PubMed 28558865; PubMed 32796131; PubMed 15122708.